The following is an entry in ClinVar:

NM_198510.3(ITIH6):c.2722A>C (p.Ile908Leu)

Gene: ITIH6 (inter-alpha-trypsin inhibitor heavy chain family member 6; minus strand). Cytogenetic location: Xp11.22.
Variant type: single nucleotide variant.
Coding change: c.2722A>C on transcript NM_198510.3 (MANE Select); coding-DNA position 2722, A replaced by C.
Protein change: p.Ile908Leu; replaces isoleucine 908 with leucine.
Molecular consequence: missense variant.
Genome position (GRCh38, 1-based): chrX:54,757,352, T>G on the plus strand (A>C on the coding strand, the complement: ITIH6 is on the minus strand). VCF-style: chrX-54757352-T-G. GRCh37 (hg19) VCF-style: chrX-54783785-T-G.
Other names: short protein forms I908L.
Identifiers: ClinVar variation 3035733 (VCV003035733.2), dbSNP rs143059237, ClinGen allele CA10426070.

ClinVar aggregate classification (germline): Likely benign (0 of 4 stars; one submission).

Conditions:
ITIH6-related disorder. Also called: ITIH6-related condition.

Allele frequency attached by ClinVar (database versions not stated): 1000 Genomes Project 0.00053; 1000 Genomes Project 30x 0.00062; ExAC 0.00116; TOPMed 0.00129; gnomAD 0.00151; ESP Exome Variant Server 0.00180.
gnomAD v4.1: 2,405 of 1,202,208 alleles (0.2%); highest among the groups gnomAD compares: Non-Finnish European, 0.24%; 5 homozygotes.

Submission:

PreventionGenetics, part of Exact Sciences
Classification: Likely benign for ITIH6-related condition. Last evaluated: 2022-10-27. Review status: no assertion criteria provided. Collection method: clinical testing. Allele origin: germline.
Comment: This variant is classified as likely benign based on ACMG/AMP sequence variant interpretation guidelines (Richards et al. 2015 PMID: 25741868, with internal and published modifications).